The following is an entry in ClinVar:

NM_006269.2(RP1):c.4212del (p.Ser1404fs)

Gene: RP1 (RP1 axonemal microtubule associated; plus strand). Cytogenetic location: 8q12.1.
Variant type: Deletion.
Coding change: c.4212del on transcript NM_006269.2 (MANE Select); coding-DNA position 4212, one base deleted (T; older notation c.4212delT).
Protein change: p.Ser1404fs; shifts the reading frame from serine 1404.
Molecular consequence: frameshift variant. On other transcripts: intron variant (1).
Genome position (GRCh38, 1-based): chr8:54,628,094, T deleted. VCF-style (leftmost placement, unchanged base first): chr8-54628093-GT-G. GRCh37 (hg19) VCF-style: chr8-55540653-GT-G.
Other names: c.787+5806del (NM_001375654.1); short protein forms S1404fs.
Identifiers: ClinVar variation 1442823 (VCV001442823.6), dbSNP rs1806128079, ClinGen allele CA1785189030.

ClinVar aggregate classification (germline): Pathogenic (1 of 4 stars; one submission).

Allele frequency attached by ClinVar (database versions not stated): gnomAD exomes below 0.00001; TOPMed below 0.00001.

Submission:

Labcorp Genetics (formerly Invitae), Labcorp
Classification: Pathogenic. Last evaluated: 2021-09-07. Review status: criteria provided, single submitter. Criteria: Invitae Variant Classification Sherloc (09022015). Collection method: clinical testing. Allele origin: germline.
Comment: This sequence change creates a premature translational stop signal (p.Ser1404Argfs*14) in the RP1 gene. While this is not anticipated to result in nonsense mediated decay, it is expected to disrupt the last 753 amino acid(s) of the RP1 protein. This variant is not present in population databases (ExAC no frequency). This variant has not been reported in the literature in individuals affected with RP1-related conditions. Algorithms developed to predict the effect of sequence changes on RNA splicing suggest that this variant may create or strengthen a splice site. This variant disrupts the C-terminus of the RP1 protein. Many variants that disrupt this region have been reported in individuals with either autosomal dominant or autosomal recessive retinitis pigmentosa (PMID: 11527933, 19933189, 29425069, 30027431). Therefore, variants that disrupt this region are expected to be disease-causing. For these reasons, this variant has been classified as Pathogenic.

Literature cited by the submitters: PubMed 11527933; PubMed 19933189; PubMed 29425069; PubMed 30027431.